The following is an entry in ClinVar:

ClinVar aggregate classification (germline): Uncertain significance (1 of 4 stars; one submission).

Conditions:
Gastrointestinal stromal tumor. Also called: Gastrointestinal stromal tumor, somatic; Gastrointestinal stroma tumor. Identifiers: Orphanet 44890, MedGen C0238198, MeSH D046152, MONDO:0011719, OMIM 606764, HP:0100723.

Submission:

Labcorp Genetics (formerly Invitae), Labcorp
Classification: Uncertain significance for Gastrointestinal stromal tumor. Last evaluated: 2025-03-30. Review status: criteria provided, single submitter. Criteria: Invitae Variant Classification Sherloc (09022015). Collection method: clinical testing. Allele origin: germline.
Comment: This sequence change replaces isoleucine, which is neutral and non-polar, with methionine, which is neutral and non-polar, at codon 438 of the KIT protein (p.Ile438Met). This variant is not present in population databases (gnomAD no frequency). This variant has not been reported in the literature in individuals affected with KIT-related conditions. An algorithm developed to predict the effect of missense changes on protein structure and function (PolyPhen-2) suggests that this variant is likely to be disruptive. In summary, the available evidence is currently insufficient to determine the role of this variant in disease. Therefore, it has been classified as a Variant of Uncertain Significance.

NM_000222.3(KIT):c.1314A>G (p.Ile438Met)

Gene: KIT (KIT proto-oncogene, receptor tyrosine kinase; plus strand). Cytogenetic location: 4q12.
Variant type: single nucleotide variant.
Coding change: c.1314A>G on transcript NM_000222.3 (MANE Select); coding-DNA position 1314, A replaced by G.
Protein change: p.Ile438Met; replaces isoleucine 438 with methionine.
Molecular consequence: missense variant.
Genome position (GRCh38, 1-based): chr4:54,723,666, A>G. VCF-style: chr4-54723666-A-G. GRCh37 (hg19) VCF-style: chr4-55589832-A-G.
Other names: c.1314A>G, p.Ile438Met (NM_001093772.2, NM_001385285.1, NM_001385286.1); c.1317A>G, p.Ile439Met (NM_001385284.1, NM_001385288.1, NM_001385290.1 and 1 more transcripts); short protein forms I438M, I439M.
Identifiers: ClinVar variation 4716289 (VCV004716289.1).
Genomic context (GRCh38, chr4:54,723,666, plus strand): 5'-CGACAGGCTCGTGAATGGCATGCTCCAATGTGTGGCAGCAGGATTCCCAGAGCCCACAAT[A>G]GATTGGTATTTTTGTCCAGGAACTGAGCAGAGGTGAGATGATTATTTTTGGCACTGCTTA-3'
Protein context (NP_000213.1, residues 428-448): CVAAGFPEPT[Ile438Met]DWYFCPGTEQ